The following is an entry in ClinVar:

ClinVar aggregate classification (germline): Uncertain significance (1 of 4 stars; one submission).

Allele frequency attached by ClinVar (database versions not stated): gnomAD exomes 0.00001; ExAC 0.00002; TOPMed 0.00002; gnomAD 0.00004; ESP Exome Variant Server 0.00008.
gnomAD v4.1: 17 of 1,614,058 alleles (0.0011%); highest among the groups gnomAD compares: African/African-American, 0.0067%; no homozygotes.

Submission:

Labcorp Genetics (formerly Invitae), Labcorp
Classification: Uncertain significance. Last evaluated: 2025-01-27. Review status: criteria provided, single submitter. Criteria: Invitae Variant Classification Sherloc (09022015). Collection method: clinical testing. Allele origin: germline.
Comment: This sequence change replaces threonine, which is neutral and polar, with methionine, which is neutral and non-polar, at codon 521 of the SON protein (p.Thr521Met). This variant is present in population databases (rs149866647, gnomAD 0.006%). This variant has not been reported in the literature in individuals affected with SON-related conditions. ClinVar contains an entry for this variant (Variation ID: 2887030). An algorithm developed to predict the effect of missense changes on protein structure and function (PolyPhen-2) suggests that this variant is likely to be disruptive. In summary, the available evidence is currently insufficient to determine the role of this variant in disease. Therefore, it has been classified as a Variant of Uncertain Significance.

NM_138927.4(SON):c.1562C>T (p.Thr521Met)

Gene: SON (SON DNA and RNA binding protein; plus strand). Cytogenetic location: 21q22.11.
Variant type: single nucleotide variant.
Coding change: c.1562C>T on transcript NM_138927.4 (MANE Select); coding-DNA position 1562, C replaced by T.
Protein change: p.Thr521Met; replaces threonine 521 with methionine.
Molecular consequence: missense variant. On other transcripts: non-coding transcript variant (1), intron variant (1).
Genome position (GRCh38, 1-based): chr21:33,550,793, C>T. VCF-style: chr21-33550793-C-T. GRCh37 (hg19) VCF-style: chr21-34923099-C-T.
Other names: c.1562C>T, p.Thr521Met (NM_001291411.2, NM_001412133.1, NM_032195.3 and 2 more transcripts); c.244+4414C>T (NM_001291412.3); short protein forms T521M.
Identifiers: ClinVar variation 2887030 (VCV002887030.3), dbSNP rs149866647, ClinGen allele CA10008925.